The following is an entry in ClinVar:

ClinVar aggregate classification (germline): Uncertain significance (1 of 4 stars; one submission).

Conditions:
Inborn genetic diseases. Identifiers: MedGen C0950123, MeSH D030342.

Allele frequency attached by ClinVar (database versions not stated): gnomAD exomes below 0.00001; TOPMed below 0.00001; gnomAD 0.00001.

Submission:

Ambry Genetics
Classification: Uncertain significance for Inborn genetic diseases. Last evaluated: 2022-08-22. Review status: criteria provided, single submitter. Criteria: Ambry Variant Classification Scheme 2023. Collection method: clinical testing. Allele origin: germline.
Comment: The p.L55F variant (also known as c.163C>T), located in coding exon 3 of the ATR gene, results from a C to T substitution at nucleotide position 163. The leucine at codon 55 is replaced by phenylalanine, an amino acid with highly similar properties. This amino acid position is conserved. In addition, the in silico prediction for this alteration is inconclusive. Since supporting evidence is limited at this time, the clinical significance of this alteration remains unclear.

NM_001184.4(ATR):c.163C>T (p.Leu55Phe)

Gene: ATR (ATR checkpoint kinase; minus strand). Cytogenetic location: 3q23.
Variant type: single nucleotide variant.
Coding change: c.163C>T on transcript NM_001184.4 (MANE Select); coding-DNA position 163, C replaced by T.
Protein change: p.Leu55Phe; replaces leucine 55 with phenylalanine.
Molecular consequence: missense variant.
Genome position (GRCh38, 1-based): chr3:142,566,250, G>A on the plus strand (C>T on the coding strand, the complement: ATR is on the minus strand). VCF-style: chr3-142566250-G-A. GRCh37 (hg19) VCF-style: chr3-142285092-G-A.
Other names: c.163C>T, p.Leu55Phe (NM_001354579.2); short protein forms L55F.
Identifiers: ClinVar variation 1777008 (VCV001777008.2), dbSNP rs1375877268, ClinGen allele CA354828749.